The following is an entry in ClinVar:

NM_152703.5(SAMD9L):c.2821C>T (p.Gln941Ter)

Gene: SAMD9L (sterile alpha motif domain containing 9 like; minus strand). Cytogenetic location: 7q21.2.
Variant type: single nucleotide variant.
Coding change: c.2821C>T on transcript NM_152703.5 (MANE Select); coding-DNA position 2821, C replaced by T.
Protein change: p.Gln941Ter; replaces glutamine 941 with a stop codon.
Molecular consequence: nonsense.
Genome position (GRCh38, 1-based): chr7:93,133,151, G>A on the plus strand (C>T on the coding strand, the complement: SAMD9L is on the minus strand). VCF-style: chr7-93133151-G-A. GRCh37 (hg19) VCF-style: chr7-92762464-G-A.
Other names: c.2821C>T, p.Gln941Ter (NM_001303496.3, NM_001303497.3, NM_001303498.3 and 5 more transcripts); short protein forms Q941*.
Identifiers: ClinVar variation 3646044 (VCV003646044.2).

ClinVar aggregate classification (germline): Uncertain significance (1 of 4 stars; one submission).

Submission:

Labcorp Genetics (formerly Invitae), Labcorp
Classification: Uncertain significance. Last evaluated: 2024-03-15. Review status: criteria provided, single submitter. Criteria: Invitae Variant Classification Sherloc (09022015). Collection method: clinical testing. Allele origin: germline.
Comment: This sequence change creates a premature translational stop signal (p.Gln941*) in the SAMD9L gene. While this is not anticipated to result in nonsense mediated decay, it is expected to disrupt the last 644 amino acid(s) of the SAMD9L protein. This variant is not present in population databases (gnomAD no frequency). This variant has not been reported in the literature in individuals affected with SAMD9L-related conditions. In summary, the available evidence is currently insufficient to determine the role of this variant in disease. Therefore, it has been classified as a Variant of Uncertain Significance.